The following is an entry in ClinVar:

ClinVar aggregate classification (germline): Uncertain significance (1 of 4 stars; one submission).

Conditions:
Parkinsonism-dystonia, infantile. Identifiers: Orphanet 238455, MedGen C2751067, MONDO:0013150.

Allele frequency attached by ClinVar (database versions not stated): gnomAD exomes below 0.00001.
gnomAD v4.1: 2 of 1,613,032 alleles (0.00012%); highest among the groups gnomAD compares: Non-Finnish European, 0.00017%; no homozygotes.

Submission:

Labcorp Genetics (formerly Invitae), Labcorp
Classification: Uncertain significance for Parkinsonism-dystonia, infantile. Last evaluated: 2022-04-08. Review status: criteria provided, single submitter. Criteria: Invitae Variant Classification Sherloc (09022015). Collection method: clinical testing. Allele origin: germline.
Comment: In summary, the available evidence is currently insufficient to determine the role of this variant in disease. Therefore, it has been classified as a Variant of Uncertain Significance. Algorithms developed to predict the effect of missense changes on protein structure and function (SIFT, PolyPhen-2, Align-GVGD) all suggest that this variant is likely to be tolerated. This variant has not been reported in the literature in individuals affected with SLC6A3-related conditions. This variant is not present in population databases (gnomAD no frequency). This sequence change replaces leucine, which is neutral and non-polar, with valine, which is neutral and non-polar, at codon 518 of the SLC6A3 protein (p.Leu518Val).

NM_001044.5(SLC6A3):c.1552C>G (p.Leu518Val)

Gene: SLC6A3 (solute carrier family 6 member 3). Cytogenetic location: 5p15.33.
Variant type: single nucleotide variant.
Coding change: c.1552C>G on transcript NM_001044.5 (MANE Select); coding-DNA position 1552, C replaced by G.
Protein change: p.Leu518Val; replaces leucine 518 with valine.
Molecular consequence: missense variant.
Genome position (GRCh38, 1-based): chr5:1,406,235, G>C on the plus strand (C>G on the coding strand, the complement: SLC6A3 is on the minus strand). VCF-style: chr5-1406235-G-C. GRCh37 (hg19) VCF-style: chr5-1406350-G-C.
Other names: short protein forms L518V.
Identifiers: ClinVar variation 2079605 (VCV002079605.3), dbSNP rs2477328238, ClinGen allele CA359075958.